The following is an entry in ClinVar:

NM_022765.4(MICAL1):c.268G>A (p.Val90Met)

Gene: MICAL1 (microtubule associated monooxygenase, calponin and LIM domain containing 1; minus strand). Cytogenetic location: 6q21.
Variant type: single nucleotide variant.
Coding change: c.268G>A on transcript NM_022765.4 (MANE Select); coding-DNA position 268, G replaced by A.
Protein change: p.Val90Met; replaces valine 90 with methionine.
Molecular consequence: missense variant.
Genome position (GRCh38, 1-based): chr6:109,453,836, C>T on the plus strand (G>A on the coding strand, the complement: MICAL1 is on the minus strand). VCF-style: chr6-109453836-C-T. GRCh37 (hg19) VCF-style: chr6-109775039-C-T.
Other names: c.268G>A, p.Val90Met (NM_001159291.2); c.325G>A, p.Val109Met (NM_001286613.2); short protein forms V109M, V90M.
Identifiers: ClinVar variation 2415755 (VCV002415755.6), dbSNP rs775454978, ClinGen allele CA3953837.

ClinVar aggregate classification (germline): Uncertain significance (1 of 4 stars; one submission).

Allele frequency attached by ClinVar (database versions not stated): TOPMed below 0.00001; ExAC 0.00001; gnomAD 0.00001; gnomAD exomes 0.00001.
gnomAD v4.1: 12 of 1,613,238 alleles (0.00074%); highest among the groups gnomAD compares: South Asian, 0.011%; no homozygotes.

Submission:

Labcorp Genetics (formerly Invitae), Labcorp
Classification: Uncertain significance. Last evaluated: 2025-02-04. Review status: criteria provided, single submitter. Criteria: Invitae Variant Classification Sherloc (09022015). Collection method: clinical testing. Allele origin: germline.
Comment: This sequence change replaces valine, which is neutral and non-polar, with methionine, which is neutral and non-polar, at codon 109 of the MICAL1 protein (p.Val109Met). This variant is present in population databases (rs775454978, gnomAD 0.01%). This variant has not been reported in the literature in individuals affected with MICAL1-related conditions. ClinVar contains an entry for this variant (Variation ID: 2415755). An algorithm developed to predict the effect of missense changes on protein structure and function (PolyPhen-2) suggests that this variant is likely to be disruptive. In summary, the available evidence is currently insufficient to determine the role of this variant in disease. Therefore, it has been classified as a Variant of Uncertain Significance.